The following is an entry in ClinVar:

NM_001040716.2(PC):c.797C>A (p.Ser266Tyr)

Gene: PC (pyruvate carboxylase; minus strand). Cytogenetic location: 11q13.2.
Variant type: single nucleotide variant.
Coding change: c.797C>A on transcript NM_001040716.2 (MANE Select); coding-DNA position 797, C replaced by A.
Protein change: p.Ser266Tyr; replaces serine 266 with tyrosine.
Molecular consequence: missense variant.
Genome position (GRCh38, 1-based): chr11:66,870,408, G>T on the plus strand (C>A on the coding strand, the complement: PC is on the minus strand). VCF-style: chr11-66870408-G-T. GRCh37 (hg19) VCF-style: chr11-66637879-G-T.
Other names: p.S266Y:TCC>TAC; c.797C>A, p.Ser266Tyr (NM_000920.4, NM_022172.3); short protein forms S266Y.
Identifiers: ClinVar variation 203922 (VCV000203922.2), dbSNP rs796052030, ClinGen allele CA312924.
Genomic context (GRCh38, chr11:66,870,408, plus strand): 5'-TGCGGGTCCAGGTGGGCGGCGGGGGCAATCTCGACCACCTTCTGGTGCCGCCGCTGGATG[G>T]AGCAGTCTCGCTCGTACAGGTGCAGGATGTTCCCATACTGGTCCCCTGGGGAGGGAGGTA-3'
Protein context (NP_001035806.1, residues 256-276): NILHLYERDC[Ser266Tyr]IQRRHQKVVE

ClinVar aggregate classification (germline): Pathogenic (1 of 4 stars; one submission).

Submission:

GeneDx
Classification: Pathogenic. Last evaluated: 2012-11-27. Review status: criteria provided, single submitter. Criteria: GeneDx Variant Classification (06012015). Collection method: clinical testing. Allele origin: germline. Affected: yes.
Comment: p.Ser266Tyr (TCC>TAC): c.797 C>A in exon 8 of the PC gene (NM_000920.3) A S266Y missense change was identified in the PC gene. It has not been published as a mutation, nor has it been reported as a benign polymorphism to our knowledge. However, another missense mutation at the same position (S266A) has been reported in association with pyruvate carboxylase deficiency (Wang et al., 2008). Furthermore, codon 266 is a highly conserved position in the PC protein and multiple in-silico analysis programs predict that S266Y is damaging to the PC protein. Therefore, we interpret S266Y to be a disease-causing mutation.The variant is found in MITONUC-MITOP panel(s).